The following is an entry in ClinVar:

ClinVar aggregate classification (germline): Uncertain significance (1 of 4 stars; one submission).

Allele frequency attached by ClinVar (database versions not stated): ExAC 0.00001.

Submission:

Labcorp Genetics (formerly Invitae), Labcorp
Classification: Uncertain significance. Last evaluated: 2023-11-27. Review status: criteria provided, single submitter. Criteria: Invitae Variant Classification Sherloc (09022015). Collection method: clinical testing. Allele origin: germline.
Comment: This sequence change replaces serine, which is neutral and polar, with asparagine, which is neutral and polar, at codon 2245 of the CPLANE1 protein (p.Ser2245Asn). This variant is present in population databases (rs750897841, gnomAD 0.0009%). This variant has not been reported in the literature in individuals affected with CPLANE1-related conditions. Advanced modeling of protein sequence and biophysical properties (such as structural, functional, and spatial information, amino acid conservation, physicochemical variation, residue mobility, and thermodynamic stability) performed at Invitae indicates that this missense variant is not expected to disrupt CPLANE1 protein function with a negative predictive value of 95%. In summary, the available evidence is currently insufficient to determine the role of this variant in disease. Therefore, it has been classified as a Variant of Uncertain Significance.

NM_001384732.1(CPLANE1):c.6734G>A (p.Ser2245Asn)

Gene: CPLANE1 (ciliogenesis and planar polarity effector complex subunit 1; minus strand). Cytogenetic location: 5p13.2.
Variant type: single nucleotide variant.
Coding change: c.6734G>A on transcript NM_001384732.1 (MANE Select); coding-DNA position 6734, G replaced by A.
Protein change: p.Ser2245Asn; replaces serine 2245 with asparagine.
Molecular consequence: missense variant.
Genome position (GRCh38, 1-based): chr5:37,169,290, C>T on the plus strand (G>A on the coding strand, the complement: CPLANE1 is on the minus strand). VCF-style: chr5-37169290-C-T. GRCh37 (hg19) VCF-style: chr5-37169392-C-T.
Other names: c.6734G>A, p.Ser2245Asn (NM_023073.4); short protein forms S2245N.
Identifiers: ClinVar variation 2982171 (VCV002982171.3), dbSNP rs750897841, ClinGen allele CA3238194.